The following is an entry in ClinVar:

NM_024426.6(WT1):c.1510T>G (p.Leu504Val)

Gene: WT1 (WT1 transcription factor; minus strand). Cytogenetic location: 11p13.
Variant type: single nucleotide variant.
Coding change: c.1510T>G on transcript NM_024426.6 (MANE Select); coding-DNA position 1510, T replaced by G.
Protein change: p.Leu504Val; replaces leucine 504 with valine.
Molecular consequence: missense variant. On other transcripts: non-coding transcript variant (1).
Genome position (GRCh38, 1-based): chr11:32,389,117, A>C on the plus strand (T>G on the coding strand, the complement: WT1 is on the minus strand). VCF-style: chr11-32389117-A-C. GRCh37 (hg19) VCF-style: chr11-32410663-A-C.
Other names: c.1450T>G, p.Leu484Val (NM_000378.6); c.850T>G, p.Leu284Val (NM_001198551.2); c.808T>G, p.Leu270Val (NM_001198552.2); c.322T>G, p.Leu108Val (NM_001367854.1); c.1495T>G, p.Leu499Val (NM_001407044.1); c.1459T>G, p.Leu487Val (NM_001407045.1); c.1417T>G, p.Leu473Val (NM_001407046.1); c.1378T>G, p.Leu460Val (NM_001407047.1); and 6 more; short protein forms L456V, L457V, L487V, L270V, L473V, L499V, L504V, L108V.
Identifiers: ClinVar variation 2084816 (VCV002084816.4), dbSNP rs1564967638, ClinGen allele CA379957609.
Genomic context (GRCh38, chr11:32,389,117, plus strand): 5'-CTCAAAGCGCCAGCTGGAGTTTGGTCATGTTTCTCTGATGCATGTTGTGATGGCGGACTA[A>C]TTCATCTGACCGGGCAAACTTTTTCTGACAACTTGGCCACCGACAGCTGAAGGGCTTTTC-3'
Protein context (NP_077744.4, residues 494-514): CQKKFARSDE[Leu504Val]VRHHNMHQRN

ClinVar aggregate classification (germline): Uncertain significance (1 of 4 stars; one submission).

Conditions:
11p partial monosomy syndrome (WAGR). Also called: WAGR Complex; CHROMOSOME 11p13 DELETION SYNDROME; WAGR syndrome; WAGR Spectrum Disorder. Identifiers: Orphanet 893, MedGen C0206115, MONDO:0008681, OMIM 194072.
Frasier syndrome. Identifiers: Orphanet 347, MedGen C0950122, MeSH D052159, MONDO:0007635, OMIM 136680.
Drash syndrome (DDS). Also called: WILMS TUMOR AND PSEUDO- OR TRUE HERMAPHRODITISM; NEPHROPATHY, WILMS TUMOR, AND GENITAL ANOMALIES. Identifiers: Orphanet 220, MedGen C0950121, MONDO:0008682, OMIM 194080.
Wilms tumor 1 (WT1). Also called: Wilms tumor, somatic. Identifiers: Orphanet 654, MedGen CN033288, MONDO:0008679, OMIM 194070.

Submission:

Labcorp Genetics (formerly Invitae), Labcorp
Classification: Uncertain significance for Wilms tumor 1; Drash syndrome; 11p partial monosomy syndrome; Frasier syndrome. Last evaluated: 2025-02-24. Review status: criteria provided, single submitter. Criteria: Invitae Variant Classification Sherloc (09022015). Collection method: clinical testing. Allele origin: germline.
Comment: This sequence change replaces leucine, which is neutral and non-polar, with valine, which is neutral and non-polar, at codon 499 of the WT1 protein (p.Leu499Val). This variant is not present in population databases (gnomAD no frequency). This variant has not been reported in the literature in individuals affected with WT1-related conditions. ClinVar contains an entry for this variant (Variation ID: 2084816). Invitae Evidence Modeling of protein sequence and biophysical properties (such as structural, functional, and spatial information, amino acid conservation, physicochemical variation, residue mobility, and thermodynamic stability) indicates that this missense variant is expected to disrupt WT1 protein function with a positive predictive value of 80%. In summary, the available evidence is currently insufficient to determine the role of this variant in disease. Therefore, it has been classified as a Variant of Uncertain Significance.